The following is an entry in ClinVar:

ClinVar aggregate classification (germline): Likely benign (1 of 4 stars; one submission).

Submission:

GeneDx
Classification: Likely benign. Last evaluated: 2016-01-05. Review status: criteria provided, single submitter. Criteria: GeneDx Variant Classification (06012015). Collection method: clinical testing. Allele origin: germline. Affected: yes.
Comment: This variant is considered likely benign or benign based on one or more of the following criteria: it is a conservative change, it occurs at a poorly conserved position in the protein, it is predicted to be benign by multiple in silico algorithms, and/or has population frequency not consistent with disease.

NM_006516.4(SLC2A1):c.1224C>G (p.Gly408=)

Gene: SLC2A1 (solute carrier family 2 member 1; minus strand). Cytogenetic location: 1p34.2.
Variant type: single nucleotide variant.
Coding change: c.1224C>G on transcript NM_006516.4 (MANE Select); coding-DNA position 1224, C replaced by G.
Protein change: p.Gly408=; no amino-acid change (glycine 408 retained).
Molecular consequence: synonymous variant.
Genome position (GRCh38, 1-based): chr1:42,927,659, G>C on the plus strand (C>G on the coding strand, the complement: SLC2A1 is on the minus strand). VCF-style: chr1-42927659-G-C. GRCh37 (hg19) VCF-style: chr1-43393330-G-C.
Identifiers: ClinVar variation 382619 (VCV000382619.1), dbSNP rs1057521400, ClinGen allele CA16603716.
Genomic context (GRCh38, chr1:42,927,659, plus strand): 5'-TCTCACCTCCACATACTGGAAGCACATGCCCACAATGAAATTTGAGGTCCAGTTGGAGAA[G>C]CCTGCAACGGCAATGGCAGCTGGACGTGGACCCTGGCTGAAGAGTTCAGCCACGATGAAC-3'
Protein context (NP_006507.2, residues 398-418): GPRPAAIAVA[Gly408=]FSNWTSNFIV